The following is an entry in ClinVar:

NM_000138.5(FBN1):c.2729-21_2729-15del

Gene: FBN1 (fibrillin 1; minus strand). Cytogenetic location: 15q21.1.
Variant type: Deletion.
Coding change: c.2729-21_2729-15del on transcript NM_000138.5 (MANE Select); 21 bases into the intron before coding-DNA position 2729 through 15 bases into the intron before coding-DNA position 2729, 7 bases deleted (ATACTTT; older notation c.2729-21_2729-15delATACTTT).
Molecular consequence: intron variant.
Genome position (GRCh38, 1-based): chr15:48,492,601-48,492,607, AAAGTAT deleted on the plus strand (ATACTTT on the coding strand, the reverse complement: FBN1 is on the minus strand); deleting any 7 consecutive bases within chr15:48,492,601-48,492,612 gives the same sequence; the c. name uses the placement nearest the transcript's 3' end. VCF-style (leftmost placement, unchanged base first): chr15-48492600-AAAAGTAT-A. GRCh37 (hg19) VCF-style: chr15-48784797-AAAAGTAT-A.
Other names: c.2729-21_2729-15del (NM_001406716.1).
Identifiers: ClinVar variation 3386833 (VCV003386833.1).

ClinVar aggregate classification (germline): Likely benign (1 of 4 stars; one submission).

Conditions:
Marfan syndrome (MFS). Also called: MARFAN SYNDROME, TYPE I; Marfan syndrome type 1; Marfan's syndrome; FBN1-Related Marfan Syndrome; Marfan syndrome, classic. Identifiers: Orphanet 284963, Orphanet 558, MedGen C0024796, MONDO:0007947, OMIM 154700.

Submission:

All of Us Research Program, National Institutes of Health
Classification: Likely benign for Marfan syndrome. Last evaluated: 2024-03-24. Review status: criteria provided, single submitter. Criteria: ACMG Guidelines, 2015. Collection method: clinical testing. Allele origin: germline. Inheritance: Autosomal dominant inheritance. Observed: 1 variant allele, 1 heterozygote.
Comment: This study involves interpretation of variants in research participants for the purpose of population health screening. Participant phenotype was not available at the time of variant classification. Additional details can be found in publication PMID: 35346344, PMCID: PMC8962531